The following is an entry in ClinVar:

NM_000303.3(PMM2):c.639+44C>T

Gene: PMM2 (phosphomannomutase 2; plus strand). Cytogenetic location: 16p13.2.
Variant type: single nucleotide variant.
Coding change: c.639+44C>T on transcript NM_000303.3 (MANE Select); 44 bases into the intron after coding-DNA position 639, C replaced by T.
Molecular consequence: intron variant.
Genome position (GRCh38, 1-based): chr16:8,813,150, C>T. VCF-style: chr16-8813150-C-T. GRCh37 (hg19) VCF-style: chr16-8907007-C-T.
Identifiers: ClinVar variation 1187031 (VCV001187031.18), dbSNP rs147688858, ClinGen allele CA7894165.
Genomic context (GRCh38, chr16:8,813,150, plus strand): 5'-GAGACAAAACTATGCCAGTAAGTAGAGAAGTGTTTGTGCACCTTCATTGTTGCATTTGCG[C>T]TTGATGGGGGAAATTGACAACTGGGCTGTTTTTCCTGTACCTACACTTTACCCACCCGCC-3'

ClinVar aggregate classification (germline): Likely benign. Review status: criteria provided, multiple submitters, no conflicts (2 of 4 stars). 2 submissions from 2 submitters: Likely benign (2). Last evaluated 2024-08-01.

Allele frequency attached by ClinVar (database versions not stated): 1000 Genomes Project 0.00459; 1000 Genomes Project 30x 0.00468; ESP Exome Variant Server 0.00516.
gnomAD v4.1: 1,093 of 1,211,946 alleles (0.09%); highest among the groups gnomAD compares: African/African-American, 1.4%; 8 homozygotes.

Submissions (2):

CeGaT Center for Human Genetics Tuebingen
Classification: Likely benign. Last evaluated: 2024-08-01. Review status: criteria provided, single submitter. Criteria: CeGaT Center For Human Genetics Tuebingen Variant Classification Criteria Version 2. Collection method: clinical testing. Allele origin: germline. Affected: yes. Observed: 1 variant allele.
Comment: PMM2: BS1

GeneDx
Classification: Likely benign. Last evaluated: 2020-11-24. Review status: criteria provided, single submitter. Criteria: GeneDx Variant Classification Process June 2021. Collection method: clinical testing. Allele origin: germline. Affected: yes.